The following is an entry in ClinVar:

ClinVar aggregate classification (germline): Pathogenic (1 of 4 stars; one submission).

Conditions:
Hereditary nonpolyposis colorectal neoplasms. Identifiers: MedGen C0009405, MeSH D003123.

Submission:

Labcorp Genetics (formerly Invitae), Labcorp
Classification: Pathogenic for Hereditary nonpolyposis colorectal neoplasms. Last evaluated: 2025-06-18. Review status: criteria provided, single submitter. Criteria: Invitae Variant Classification Sherloc (09022015). Collection method: clinical testing. Allele origin: germline.
Comment: This sequence change creates a premature translational stop signal (p.Arg1318Serfs*5) in the MSH6 gene. While this is not anticipated to result in nonsense mediated decay, it is expected to disrupt the last 43 amino acid(s) of the MSH6 protein. This variant is not present in population databases (gnomAD no frequency). This variant has not been reported in the literature in individuals affected with MSH6-related conditions. ClinVar contains an entry for this variant (Variation ID: 3660046). This variant disrupts a region of the MSH6 protein in which other variant(s) (p.Leu1330Valfs*12) have been determined to be pathogenic (PMID: 14520694, 19851887, 20028993, 24440087). This suggests that this is a clinically significant region of the protein, and that variants that disrupt it are likely to be disease-causing. For these reasons, this variant has been classified as Pathogenic.

Literature cited by the submitters: PubMed 14520694; PubMed 19851887; PubMed 20028993; PubMed 24440087.

NM_000179.3(MSH6):c.3908_3953dup (p.Arg1318delinsSerLysAlaCysTer)

Gene: MSH6 (mutS homolog 6; plus strand). Cytogenetic location: 2p16.3.
Variant type: Duplication.
Coding change: c.3908_3953dup on transcript NM_000179.3 (MANE Select); coding-DNA positions 3908 to 3953, 46 bases duplicated.
Protein change: p.Arg1318delinsSerLysAlaCysTer.
Molecular consequence: nonsense. On other transcripts: frameshift variant (1), non-coding transcript variant (5), intron variant (1).
Genome position (GRCh38, 1-based): chr2:47,806,558-47,806,603, 46 bases duplicated; duplicating any 46 consecutive bases within chr2:47,806,556-47,806,603 gives the same sequence; the c. name uses the placement nearest the transcript's 3' end. GRCh37 (hg19): chr2:48,033,697-48,033,742.
Other names: c.3002_3047dup, p.Arg1016delinsSerLysAlaCysTer (NM_001281494.2, NM_001281493.2, NM_001406811.1 and 6 more transcripts); c.4004_4049dup, p.Arg1350delinsSerLysAlaCysTer (NM_001406795.1); c.3908_3953dup, p.Arg1318delinsSerLysAlaCysTer (NM_001406796.1, NM_001406808.1, NM_001406809.1); c.3611_3656dup, p.Arg1219delinsSerLysAlaCysTer (NM_001406797.1, NM_001406801.1, NM_001406805.1 and 10 more transcripts); c.3734_3779dup, p.Arg1260delinsSerLysAlaCysTer (NM_001406798.1); c.3383_3428dup, p.Arg1143delinsSerLysAlaCysTer (NM_001406799.1, NM_001406806.1, NM_001406807.1); c.3895_3940dup, p.Glu1314fs (NM_001406800.1); c.3518_3563dup, p.Arg1188delinsSerLysAlaCysTer (NM_001281492.2); and 9 more; short protein forms E1314fs.
Identifiers: ClinVar variation 3660046 (VCV003660046.2).